The following is an entry in ClinVar:

NM_000255.4(MMUT):c.410C>T (p.Ala137Val)

Gene: MMUT (methylmalonyl-CoA mutase; minus strand). Cytogenetic location: 6p12.3.
Variant type: single nucleotide variant.
Coding change: c.410C>T on transcript NM_000255.4 (MANE Select); coding-DNA position 410, C replaced by T.
Protein change: p.Ala137Val; replaces alanine 137 with valine.
Molecular consequence: missense variant.
Genome position (GRCh38, 1-based): chr6:49,458,034, G>A on the plus strand (C>T on the coding strand, the complement: MMUT is on the minus strand). VCF-style: chr6-49458034-G-A. GRCh37 (hg19) VCF-style: chr6-49425747-G-A.
Other names: short protein forms A137V.
Identifiers: ClinVar variation 3385300 (VCV003385300.1).

ClinVar aggregate classification (germline): Uncertain significance (1 of 4 stars; one submission).

Submission:

Women's Health and Genetics/Laboratory Corporation of America, LabCorp
Classification: Uncertain significance. Last evaluated: 2024-10-15. Review status: criteria provided, single submitter. Criteria: LabCorp Variant Classification Summary - May 2015. Collection method: clinical testing. Allele origin: germline.
Comment: Variant summary: MUT c.410C>T (p.Ala137Val) results in a non-conservative amino acid change located in the Methylmalonyl-CoA mutase, alpha chain, catalytic domain (IPR006098) of the encoded protein sequence. Five of five in-silico tools predict a damaging effect of the variant on protein function. The variant allele was found at a frequency of 4.1e-06 in 241242 control chromosomes (gnomAD). c.410C>T has been reported in the literature in individuals affected with Methylmalonic Acidemia with a pathogenic variant in trans (e.g. Fuchshuber_2000, Lempp_2007, Forny_2019). These data indicate that the variant may be associated with disease. To our knowledge, no experimental evidence demonstrating an impact on protein function has been reported. The following publications have been ascertained in the context of this evaluation (PMID: 10923046, 17113806, 31260114). No submitters have cited clinical-significance assessments for this variant to ClinVar. Based on the evidence outlined above, the variant was classified as VUS-possibly pathogenic.

Literature cited by the submitters: PubMed 17113806; PubMed 10923046; PubMed 31260114.